The following is an entry in ClinVar:

ClinVar aggregate classification (germline): Uncertain significance. Review status: criteria provided, multiple submitters, no conflicts (2 of 4 stars). 2 submissions from 2 submitters: Uncertain significance (2). Last evaluated 2025-06-08.

Allele frequency attached by ClinVar (database versions not stated): gnomAD exomes 0.00006; ExAC 0.00007; ESP Exome Variant Server 0.00015; gnomAD 0.00015; TOPMed 0.00028.
gnomAD v4.1: 130 of 1,614,088 alleles (0.0081%); highest among the groups gnomAD compares: Admixed American, 0.028%; no homozygotes.

Submissions (2):

Ambry Genetics
Classification: Uncertain significance. Last evaluated: 2025-06-08. Review status: criteria provided, single submitter. Criteria: Ambry Variant Classification Scheme 2023. Collection method: clinical testing. Allele origin: germline.

Labcorp Genetics (formerly Invitae), Labcorp
Classification: Uncertain significance. Last evaluated: 2023-02-08. Review status: criteria provided, single submitter. Criteria: Invitae Variant Classification Sherloc (09022015). Collection method: clinical testing. Allele origin: germline.
Comment: This sequence change replaces asparagine, which is neutral and polar, with tyrosine, which is neutral and polar, at codon 1954 of the IGSF10 protein (p.Asn1954Tyr). This variant is present in population databases (rs139553347, gnomAD 0.1%), and has an allele count higher than expected for a pathogenic variant. In summary, the available evidence is currently insufficient to determine the role of this variant in disease. Therefore, it has been classified as a Variant of Uncertain Significance. Algorithms developed to predict the effect of missense changes on protein structure and function are either unavailable or do not agree on the potential impact of this missense change (SIFT: "Tolerated"; PolyPhen-2: "Possibly Damaging"; Align-GVGD: "Class C0"). This variant has not been reported in the literature in individuals affected with IGSF10-related conditions.

NM_178822.5(IGSF10):c.5860A>T (p.Asn1954Tyr)

Gene: IGSF10 (immunoglobulin superfamily member 10; minus strand). Cytogenetic location: 3q25.1.
Variant type: single nucleotide variant.
Coding change: c.5860A>T on transcript NM_178822.5 (MANE Select); coding-DNA position 5860, A replaced by T.
Protein change: p.Asn1954Tyr; replaces asparagine 1954 with tyrosine.
Molecular consequence: missense variant.
Genome position (GRCh38, 1-based): chr3:151,443,087, T>A on the plus strand (A>T on the coding strand, the complement: IGSF10 is on the minus strand). VCF-style: chr3-151443087-T-A. GRCh37 (hg19) VCF-style: chr3-151160875-T-A.
Other names: c.5860A>T, p.Asn1954Tyr (NM_001385060.1, NM_001385061.1, NM_001385062.1 and 1 more transcripts); short protein forms N1954Y.
Identifiers: ClinVar variation 2513166 (VCV002513166.6), dbSNP rs139553347, ClinGen allele CA2669657.
Genomic context (GRCh38, chr3:151,443,087, plus strand): 5'-TTATTTGGGGTTTGGGCTCCCCAGTGGCTGAGCAGTTCAGTAGTAATTTGTCCCCAAAAT[T>A]CACTTCAGTCCTTTTCTGGGATGCAGCTTCTATCCTGGGGCTGGTCACTCGCTCTTCCAT-3'
Protein context (NP_849144.2, residues 1944-1964): EAASQKRTEV[Asn1954Tyr]FGDKLLLNCS